The following is an entry in ClinVar:

NM_206933.4(USH2A):c.5843G>A (p.Arg1948His)

Genes: USH2A (usherin; minus strand), USH2A-AS2 (USH2A antisense RNA 2; plus strand). Cytogenetic location: 1q41.
Variant type: single nucleotide variant.
Coding change: c.5843G>A on transcript NM_206933.4 (MANE Select); coding-DNA position 5843, G replaced by A.
Protein change: p.Arg1948His; replaces arginine 1948 with histidine.
Molecular consequence: missense variant.
Genome position (GRCh38, 1-based): chr1:216,072,903, C>T on the plus strand (G>A on the coding strand, the complement: USH2A is on the minus strand). VCF-style: chr1-216072903-C-T. GRCh37 (hg19) VCF-style: chr1-216246245-C-T.
Other names: short protein forms R1948H.
Identifiers: ClinVar variation 2200543 (VCV002200543.2), dbSNP rs752687361, ClinGen allele CA1395339.

ClinVar aggregate classification (germline): Uncertain significance. Review status: criteria provided, multiple submitters, no conflicts (2 of 4 stars). 2 submissions from 2 submitters: Uncertain significance (2). Last evaluated 2024-08-11.

Allele frequency attached by ClinVar (database versions not stated): gnomAD 0.00001; gnomAD exomes 0.00001; ExAC 0.00002; TOPMed 0.00003.
gnomAD v4.1: 14 of 1,613,634 alleles (0.00087%); highest among the groups gnomAD compares: East Asian, 0.0067%; no homozygotes.

Submissions (2):

Blueprint Genetics
Classification: Uncertain significance. Last evaluated: 2024-08-11. Review status: criteria provided, single submitter. Criteria: ACMG Guidelines, 2015. Collection method: clinical testing. Allele origin: germline.

Labcorp Genetics (formerly Invitae), Labcorp
Classification: Uncertain significance. Last evaluated: 2022-08-31. Review status: criteria provided, single submitter. Criteria: Invitae Variant Classification Sherloc (09022015). Collection method: clinical testing. Allele origin: germline.
Comment: This sequence change replaces arginine, which is basic and polar, with histidine, which is basic and polar, at codon 1948 of the USH2A protein (p.Arg1948His). This variant is present in population databases (rs752687361, gnomAD 0.002%). This variant has not been reported in the literature in individuals affected with USH2A-related conditions. Algorithms developed to predict the effect of missense changes on protein structure and function output the following: SIFT: "Deleterious"; PolyPhen-2: "Benign"; Align-GVGD: "Class C25". The histidine amino acid residue is found in multiple mammalian species, which suggests that this missense change does not adversely affect protein function. In summary, the available evidence is currently insufficient to determine the role of this variant in disease. Therefore, it has been classified as a Variant of Uncertain Significance.